The following is an entry in ClinVar:

NM_000203.5(IDUA):c.271del (p.His91fs)

Genes: IDUA (alpha-L-iduronidase; plus strand), SLC26A1 (solute carrier family 26 member 1; minus strand). Cytogenetic location: 4p16.3.
Variant type: Deletion.
Coding change: c.271del on transcript NM_000203.5 (MANE Select); coding-DNA position 271, one base deleted (C; older notation c.271delC).
Protein change: p.His91fs; shifts the reading frame from histidine 91.
Molecular consequence: frameshift variant. On other transcripts: 3 prime UTR variant (2), non-coding transcript variant (1), intron variant (1).
Genome position (GRCh38, 1-based): chr4:987,921, C deleted; the last of 3 consecutive C bases (chr4:987,919-987,921); deleting any one gives the same sequence. VCF-style (leftmost placement, unchanged base first): chr4-987918-AC-A. GRCh37 (hg19) VCF-style: chr4-981706-AC-A.
Other names: c.*914del (NM_022042.4, NM_213613.4); c.576+3209del (NM_134425.4); short protein forms H91fs.
Identifiers: ClinVar variation 3377591 (VCV003377591.1).

ClinVar aggregate classification (germline): Likely pathogenic (1 of 4 stars; one submission).

Conditions:
Hurler syndrome. Also called: Gargoylism, Hurler Syndrome; MUCOPOLYSACCHARIDOSIS TYPE IH; Severe MPS I (Hurler Syndrome). Identifiers: Orphanet 93473, MedGen C0086795, MONDO:0011758, OMIM 607014.

Submission:

Neuberg Centre For Genomic Medicine, NCGM
Classification: Likely pathogenic for Hurler syndrome. Review status: criteria provided, single submitter. Criteria: ACMG Guidelines, 2015. Collection method: clinical testing. Allele origin: germline. Inheritance: Autosomal recessive inheritance. Affected: yes.
Comment: The observed frameshift variant c.271del(p.His91ThrfsTer17) in the IDUA gene has not been reported previously as a pathogenic variant nor as a benign variant, to our knowledge. This variant is absent in the gnomAD Exomes. This variant causes a frameshift starting with codon Histidine 91, changes this amino acid to Threonine residue, and creates a premature Stop codon at position 17 of the new reading frame, denoted p.His91ThrfsTer17. This variant is predicted to cause loss of normal protein function through protein truncation. Loss of function variants have been previously reported to be disease causing (Jia H, et al., 2022). For these reasons, this variant has been classified as Likely Pathogenic.